The following is an entry in ClinVar:

ClinVar aggregate classification (germline): Likely benign. Review status: criteria provided, single submitter (1 of 4 stars). 2 submissions from 2 submitters: Likely benign (1). 1 of the submissions does not count toward it. Last evaluated 2023-12-21.

Conditions:
GAS2L2-related disorder. Also called: GAS2L2-related condition.

Allele frequency attached by ClinVar (database versions not stated): ExAC 0.00002; gnomAD 0.00002; 1000 Genomes Project 30x 0.00016; 1000 Genomes Project 0.00020.

Submissions (2):

Blueprint Genetics
Classification: Likely benign. Last evaluated: 2023-12-21. Review status: criteria provided, single submitter. Criteria: ACMG Guidelines, 2015. Collection method: clinical testing. Allele origin: germline.

PreventionGenetics, part of Exact Sciences
Classification: Likely benign for GAS2L2-related condition. Last evaluated: 2023-10-04. Review status: no assertion criteria provided. Collection method: clinical testing. Allele origin: germline. Not counted in ClinVar's aggregate classification.
Comment: This variant is classified as likely benign based on ACMG/AMP sequence variant interpretation guidelines (Richards et al. 2015 PMID: 25741868, with internal and published modifications).

NM_139285.4(GAS2L2):c.285C>T (p.Val95=)

Gene: GAS2L2 (growth arrest specific 2 like 2; minus strand). Cytogenetic location: 17q12.
Variant type: single nucleotide variant.
Coding change: c.285C>T on transcript NM_139285.4 (MANE Select); coding-DNA position 285, C replaced by T.
Protein change: p.Val95=; no amino-acid change (valine 95 retained).
Molecular consequence: synonymous variant.
Genome position (GRCh38, 1-based): chr17:35,752,566, G>A on the plus strand (C>T on the coding strand, the complement: GAS2L2 is on the minus strand). VCF-style: chr17-35752566-G-A. GRCh37 (hg19) VCF-style: chr17-34079585-G-A.
Identifiers: ClinVar variation 3054356 (VCV003054356.3), dbSNP rs202160256, ClinGen allele CA8506471.